The following is an entry in ClinVar:

NM_006206.6(PDGFRA):c.3118C>G (p.His1040Asp)

Gene: PDGFRA (platelet derived growth factor receptor alpha; plus strand). Cytogenetic location: 4q12.
Variant type: single nucleotide variant.
Coding change: c.3118C>G on transcript NM_006206.6 (MANE Select); coding-DNA position 3118, C replaced by G.
Protein change: p.His1040Asp; replaces histidine 1040 with aspartic acid.
Molecular consequence: missense variant.
Genome position (GRCh38, 1-based): chr4:54,290,550, C>G. VCF-style: chr4-54290550-C-G. GRCh37 (hg19) VCF-style: chr4-55156717-C-G.
Other names: c.3193C>G, p.His1065Asp (NM_001347828.2); c.3118C>G, p.His1040Asp (NM_001347829.2); c.3157C>G, p.His1053Asp (NM_001347830.2); short protein forms H1065D, H1040D, H1053D.
Identifiers: ClinVar variation 4133980 (VCV004133980.1).

ClinVar aggregate classification (germline): Uncertain significance (1 of 4 stars; one submission).

Conditions:
Hereditary cancer-predisposing syndrome. Also called: Hereditary neoplastic syndrome; Neoplastic Syndromes, Hereditary; Tumor predisposition; Hereditary Cancer Syndrome. Identifiers: Orphanet 140162, MedGen C0027672, MeSH D009386, MONDO:0015356.

Submission:

Ambry Genetics
Classification: Uncertain significance for Hereditary cancer-predisposing syndrome. Last evaluated: 2025-06-19. Review status: criteria provided, single submitter. Criteria: Ambry Variant Classification Scheme 2023. Collection method: clinical testing. Allele origin: germline.
Comment: The p.H1040D variant (also known as c.3118C>G), located in coding exon 21 of the PDGFRA gene, results from a C to G substitution at nucleotide position 3118. The histidine at codon 1040 is replaced by aspartic acid, an amino acid with similar properties. This amino acid position is conserved. In addition, this alteration is predicted to be deleterious by in silico analysis. Based on the available evidence, the clinical significance of this variant remains unclear.